The following is an entry in ClinVar:

ClinVar aggregate classification (germline): Uncertain significance (1 of 4 stars; one submission).

Submission:

Labcorp Genetics (formerly Invitae), Labcorp
Classification: Uncertain significance. Last evaluated: 2022-12-14. Review status: criteria provided, single submitter. Criteria: Invitae Variant Classification Sherloc (09022015). Collection method: clinical testing. Allele origin: germline.
Comment: In summary, the available evidence is currently insufficient to determine the role of this variant in disease. Therefore, it has been classified as a Variant of Uncertain Significance. Algorithms developed to predict the effect of missense changes on protein structure and function are either unavailable or do not agree on the potential impact of this missense change (SIFT: "Deleterious"; PolyPhen-2: "Possibly Damaging"; Align-GVGD: "Class C0"). This variant has not been reported in the literature in individuals affected with NPAT-related conditions. This variant is not present in population databases (gnomAD no frequency). This sequence change replaces serine, which is neutral and polar, with proline, which is neutral and non-polar, at codon 599 of the NPAT protein (p.Ser599Pro).

NM_002519.3(NPAT):c.1795T>C (p.Ser599Pro)

Gene: NPAT (nuclear protein, coactivator of histone transcription; minus strand). Cytogenetic location: 11q22.3.
Variant type: single nucleotide variant.
Coding change: c.1795T>C on transcript NM_002519.3 (MANE Select); coding-DNA position 1795, T replaced by C.
Protein change: p.Ser599Pro; replaces serine 599 with proline.
Molecular consequence: missense variant.
Genome position (GRCh38, 1-based): chr11:108,173,189, A>G on the plus strand (T>C on the coding strand, the complement: NPAT is on the minus strand). VCF-style: chr11-108173189-A-G. GRCh37 (hg19) VCF-style: chr11-108043916-A-G.
Other names: c.1795T>C, p.Ser599Pro (NM_001321307.1); short protein forms S599P.
Identifiers: ClinVar variation 2820828 (VCV002820828.3), dbSNP rs1369798013, ClinGen allele CA382514334.